The following is an entry in ClinVar:

ClinVar aggregate classification (germline): Uncertain significance (1 of 4 stars; one submission).

Allele frequency attached by ClinVar (database versions not stated): ExAC 0.00002.
gnomAD v4.1: 2 of 1,613,764 alleles (0.00012%); highest among the groups gnomAD compares: Non-Finnish European, 0.00017%; no homozygotes.

Submission:

Labcorp Genetics (formerly Invitae), Labcorp
Classification: Uncertain significance. Last evaluated: 2022-12-08. Review status: criteria provided, single submitter. Criteria: Invitae Variant Classification Sherloc (09022015). Collection method: clinical testing. Allele origin: germline.
Comment: In summary, the available evidence is currently insufficient to determine the role of this variant in disease. Therefore, it has been classified as a Variant of Uncertain Significance. Algorithms developed to predict the effect of sequence changes on RNA splicing suggest that this variant may create or strengthen a splice site. This variant has not been reported in the literature in individuals affected with SETBP1-related conditions. This variant is present in population databases (rs749187765, gnomAD 0.003%). This sequence change falls in intron 5 of the SETBP1 gene. It does not directly change the encoded amino acid sequence of the SETBP1 protein.

NM_015559.3(SETBP1):c.4172-5C>A

Gene: SETBP1 (SET binding protein 1; plus strand). Cytogenetic location: 18q12.3.
Variant type: single nucleotide variant.
Coding change: c.4172-5C>A on transcript NM_015559.3 (MANE Select); 5 bases into the intron before coding-DNA position 4172, C replaced by A.
Molecular consequence: intron variant.
Genome position (GRCh38, 1-based): chr18:45,063,074, C>A. VCF-style: chr18-45063074-C-A. GRCh37 (hg19) VCF-style: chr18-42643039-C-A.
Other names: c.4172-5C>A (NM_001379141.1, NM_001379142.1); c.4001-5C>A (NM_001410862.1).
Identifiers: ClinVar variation 2819533 (VCV002819533.3), dbSNP rs749187765, ClinGen allele CA8946109.